The following is an entry in ClinVar:

ClinVar aggregate classification (germline): Benign. Review status: criteria provided, multiple submitters, no conflicts (2 of 4 stars). 4 submissions from 3 submitters: Benign (4). Last evaluated 2021-10-25.

Conditions:
Combined oxidative phosphorylation defect type 13. Also called: Combined oxidative phosphorylation deficiency 13. Identifiers: Orphanet 319514, MedGen C4706283, MONDO:0013977, OMIM 614932.
Autosomal recessive nonsyndromic hearing loss 70. Also called: Deafness, autosomal recessive 70. Identifiers: Orphanet 90636, MedGen C1824925, MONDO:0013978, OMIM 614934.

Allele frequency attached by ClinVar (database versions not stated): 1000 Genomes Project 0.82708; 1000 Genomes Project 30x 0.83760; gnomAD exomes 0.89800 and 0.92500; ExAC 0.89953; TOPMed 0.92690; gnomAD 0.92970 and 0.93874; ESP Exome Variant Server 0.94855.
gnomAD v4.1: 1,409,545 of 1,524,462 alleles (92%); highest among the groups gnomAD compares: African/African-American, 96%; 655,948 homozygotes.

Submissions (4):

Genome-Nilou Lab
Classification: Benign for Combined oxidative phosphorylation defect type 13. Last evaluated: 2021-10-25. Review status: criteria provided, single submitter. Criteria: ACMG Guidelines, 2015. Collection method: clinical testing. Allele origin: germline. Affected: no.

Genome-Nilou Lab
Classification: Benign for Autosomal recessive nonsyndromic hearing loss 70. Last evaluated: 2021-10-25. Review status: criteria provided, single submitter. Criteria: ACMG Guidelines, 2015. Collection method: clinical testing. Allele origin: germline. Affected: no.

GeneDx
Classification: Benign. Last evaluated: 2018-06-14. Review status: criteria provided, single submitter. Criteria: GeneDx Variant Classification (06012015). Collection method: clinical testing. Allele origin: germline. Affected: yes.
Comment: This variant is considered likely benign or benign based on one or more of the following criteria: it is a conservative change, it occurs at a poorly conserved position in the protein, it is predicted to be benign by multiple in silico algorithms, and/or has population frequency not consistent with disease.

Breakthrough Genomics
Classification: Benign. Review status: criteria provided, single submitter. Criteria: ACMG Guidelines, 2015. Collection method: not provided. Allele origin: germline. Inheritance: Autosomal recessive inheritance. Affected: yes.

NM_033109.5(PNPT1):c.1247+29C>T

Gene: PNPT1 (polyribonucleotide nucleotidyltransferase 1; minus strand). Cytogenetic location: 2p16.1.
Variant type: single nucleotide variant.
Coding change: c.1247+29C>T on transcript NM_033109.5 (MANE Select); 29 bases into the intron after coding-DNA position 1247, C replaced by T.
Molecular consequence: intron variant.
Genome position (GRCh38, 1-based): chr2:55,661,927, G>A on the plus strand (C>T on the coding strand, the complement: PNPT1 is on the minus strand). VCF-style: chr2-55661927-G-A. GRCh37 (hg19) VCF-style: chr2-55889062-G-A.
Identifiers: ClinVar variation 671588 (VCV000671588.4), dbSNP rs782604, ClinGen allele CA1668183.
Genomic context (GRCh38, chr2:55,661,927, plus strand): 5'-GTAACAATAATTAATAATATACCACATAAGCTTTAATTATATAATAGAACATCATAAAAC[G>A]TAACAAACATCTTAAAAACATAACTTACTTTATAGCTGTTATAACTTGATCTGACTTAAT-3'